The following is an entry in ClinVar:

ClinVar aggregate classification (germline): Uncertain significance (1 of 4 stars; one submission).

Allele frequency attached by ClinVar (database versions not stated): gnomAD exomes below 0.00001; TOPMed below 0.00001; ExAC 0.00001.
gnomAD v4.1: 2 of 1,614,238 alleles (0.00012%); highest among the groups gnomAD compares: Non-Finnish European, 0.00017%; no homozygotes.

Submission:

GeneDx
Classification: Uncertain significance. Last evaluated: 2014-07-23. Review status: criteria provided, single submitter. Criteria: GeneDx Variant Classification (06012015). Collection method: clinical testing. Allele origin: germline. Affected: yes.
Comment: This variant is denoted p.Thr561Ala at the protein level, c.1681 A>G at the cDNA level, and results in the change of a Threonine to an Alanine (ACT>GCT) in exon 8 of the ZEB2 gene (NM_014795.3). The T561A variant has not been published as a mutation, nor has it been reported as a benign polymorphism to our knowledge. It was not observed in approximately 6,500 individuals of European and African American ancestry in the NHLBI Exome Sequencing Project, indicating it is not a common benign variant in these populations. The T561A variant is a non-conservative amino acid substitution, which is likely to impact secondary protein structure as these residues differ in polarity, charge, size and/or other properties. This substitution occurs at a position that is conserved across mammals. However, missense mutations in the ZEB2 gene are rare and have been identified in less than 2% of patients with Mowat-Wilson syndrome (Garavelli et al., 2009). In silico analysis is inconsistent in its predictions as to whether or not the variant is damaging to the protein structure/function. Therefore, based on the currently available information, it is unclear whether this variant is a pathogenic mutation or a rare benign variant. The variant is found in INFANT-EPI panel(s).

NM_014795.4(ZEB2):c.1681A>G (p.Thr561Ala)

Gene: ZEB2 (zinc finger E-box binding homeobox 2; minus strand). Cytogenetic location: 2q22.3.
Variant type: single nucleotide variant.
Coding change: c.1681A>G on transcript NM_014795.4 (MANE Select); coding-DNA position 1681, A replaced by G.
Protein change: p.Thr561Ala; replaces threonine 561 with alanine.
Molecular consequence: missense variant.
Genome position (GRCh38, 1-based): chr2:144,399,506, T>C on the plus strand (A>G on the coding strand, the complement: ZEB2 is on the minus strand). VCF-style: chr2-144399506-T-C. GRCh37 (hg19) VCF-style: chr2-145157073-T-C.
Other names: p.T561A:ACT>GCT; c.1609A>G, p.Thr537Ala (NM_001171653.2); short protein forms T561A, T537A.
Identifiers: ClinVar variation 181734 (VCV000181734.2), dbSNP rs730881195, ClinGen allele CA297599.